The following is an entry in ClinVar:

ClinVar aggregate classification (germline): Pathogenic/Likely pathogenic. Review status: criteria provided, multiple submitters, no conflicts (2 of 4 stars). 2 submissions from 2 submitters: Pathogenic (1); Likely pathogenic (1). Last evaluated 2022-10-28.

Conditions:
Osteogenesis imperfecta type I (OI1). Also called: Lobstein's Disease; Lobstein disease; OI, TYPE I; OSTEOGENESIS IMPERFECTA TARDA; OSTEOGENESIS IMPERFECTA WITH BLUE SCLERAE; Osteogenesis imperfecta type 1. Identifiers: Orphanet 216796, Orphanet 666, MedGen C0023931, MONDO:0008146, OMIM 166200. Disease mechanism: loss of function.
Osteogenesis imperfecta (OI). Identifiers: Orphanet 666, MedGen C0029434, MeSH D010013, MONDO:0019019.

Submissions (2):

Labcorp Genetics (formerly Invitae), Labcorp
Classification: Pathogenic for Osteogenesis imperfecta type I. Last evaluated: 2022-10-28. Review status: criteria provided, single submitter. Criteria: Invitae Variant Classification Sherloc (09022015). Collection method: clinical testing. Allele origin: germline.
Comment: For these reasons, this variant has been classified as Pathogenic. Algorithms developed to predict the effect of sequence changes on RNA splicing suggest that this variant may disrupt the consensus splice site. ClinVar contains an entry for this variant (Variation ID: 35928). Disruption of this splice site has been observed in individuals with clinical features of COL1A1-related conditions (PMID: 25963598; Invitae). This variant is not present in population databases (gnomAD no frequency). This sequence change affects an acceptor splice site in intron 10 of the COL1A1 gene. It is expected to disrupt RNA splicing. Variants that disrupt the donor or acceptor splice site typically lead to a loss of protein function (PMID: 16199547), and loss-of-function variants in COL1A1 are known to be pathogenic (PMID: 7942841, 9295084, 9443882).

Women's Health and Genetics/Laboratory Corporation of America, LabCorp
Classification: Likely pathogenic for Osteogenesis Imperfecta. Last evaluated: 2011-08-18. Review status: criteria provided, single submitter. Criteria: LabCorp Variant Classification Summary - May 2015. Collection method: curation. Allele origin: germline. Inheritance: autosomal unknown. Affected: yes.
ClinVar note: Converted during submission from likely pathogenic to Likely pathogenic.

Literature cited by the submitters: PubMed 25963598 (cited by Labcorp Genetics (formerly Invitae), Labcorp); PubMed 16199547 (cited by Labcorp Genetics (formerly Invitae), Labcorp); PubMed 7942841 (cited by Labcorp Genetics (formerly Invitae), Labcorp); PubMed 9295084 (cited by Labcorp Genetics (formerly Invitae), Labcorp); PubMed 9443882 (cited by Labcorp Genetics (formerly Invitae), Labcorp).

NM_000088.4(COL1A1):c.751-2A>G

Genes: COL1A1 (collagen type I alpha 1 chain; minus strand), LOC126862586 (CDK7 strongly-dependent group 2 enhancer GRCh37_chr17:48273702-48274901; plus strand). Cytogenetic location: 17q21.33.
Variant type: single nucleotide variant.
Coding change: c.751-2A>G on transcript NM_000088.4 (MANE Select); the canonical splice acceptor site of the intron before coding-DNA position 751, A replaced by G.
Molecular consequence: splice acceptor variant.
Genome position (GRCh38, 1-based): chr17:50,197,065, T>C on the plus strand (A>G on the coding strand, the complement: COL1A1 is on the minus strand). VCF-style: chr17-50197065-T-C. GRCh37 (hg19) VCF-style: chr17-48274426-T-C.
Identifiers: ClinVar variation 35928 (VCV000035928.12), dbSNP rs193922158, ClinGen allele CA260325.